The following is an entry in ClinVar:

NM_182914.3(SYNE2):c.16449G>C (p.Lys5483Asn)

Gene: SYNE2 (spectrin repeat containing nuclear envelope protein 2; plus strand). Cytogenetic location: 14q23.2.
Variant type: single nucleotide variant.
Coding change: c.16449G>C on transcript NM_182914.3 (MANE Select); coding-DNA position 16449, G replaced by C.
Protein change: p.Lys5483Asn; replaces lysine 5483 with asparagine.
Molecular consequence: missense variant.
Genome position (GRCh38, 1-based): chr14:64,163,551, G>C. VCF-style: chr14-64163551-G-C. GRCh37 (hg19) VCF-style: chr14-64630269-G-C.
Other names: c.16449G>C (NM_182914.2); c.16449G>C, p.Lys5483Asn (NM_015180.6); short protein forms K5483N.
Identifiers: ClinVar variation 1525098 (VCV001525098.7), dbSNP rs1324537542, ClinGen allele CA389960705.

ClinVar aggregate classification (germline): Uncertain significance. Review status: criteria provided, multiple submitters, no conflicts (2 of 4 stars). 2 submissions from 2 submitters: Uncertain significance (2). Last evaluated 2024-08-02.

Conditions:
Emery-Dreifuss muscular dystrophy 5, autosomal dominant (EDMD5). Also called: EMERY-DREIFUSS MUSCULAR DYSTROPHY 5. Identifiers: Orphanet 261, MedGen C2751805, MONDO:0013072, OMIM 612999.

Allele frequency attached by ClinVar (database versions not stated): gnomAD exomes below 0.00001 and 0.00001.
gnomAD v4.1: 13 of 1,614,154 alleles (0.00081%); highest among the groups gnomAD compares: Non-Finnish European, 0.0011%; no homozygotes.

Submissions (2):

Ambry Genetics
Classification: Uncertain significance. Last evaluated: 2024-08-02. Review status: criteria provided, single submitter. Criteria: Ambry Variant Classification Scheme 2023. Collection method: clinical testing. Allele origin: germline.

Labcorp Genetics (formerly Invitae), Labcorp
Classification: Uncertain significance for Emery-Dreifuss muscular dystrophy 5, autosomal dominant. Last evaluated: 2021-12-24. Review status: criteria provided, single submitter. Criteria: Invitae Variant Classification Sherloc (09022015). Collection method: clinical testing. Allele origin: germline.
Comment: This sequence change replaces lysine, which is basic and polar, with asparagine, which is neutral and polar, at codon 5483 of the SYNE2 protein (p.Lys5483Asn). This variant is present in population databases (no rsID available, gnomAD 0.0009%). This variant has not been reported in the literature in individuals affected with SYNE2-related conditions. Algorithms developed to predict the effect of missense changes on protein structure and function are either unavailable or do not agree on the potential impact of this missense change (SIFT: "Deleterious"; PolyPhen-2: "Possibly Damaging"; Align-GVGD: "Class C0"). In summary, the available evidence is currently insufficient to determine the role of this variant in disease. Therefore, it has been classified as a Variant of Uncertain Significance.